The following is an entry in ClinVar:

ClinVar aggregate classification (germline): Benign (0 of 4 stars; one submission).

Conditions:
KIAA0825-related disorder. Also called: KIAA0825-related condition.

Allele frequency attached by ClinVar (database versions not stated): ESP Exome Variant Server 0.00066; gnomAD exomes 0.00167; TOPMed 0.00301; gnomAD 0.00344; ExAC 0.00444; 1000 Genomes Project 30x 0.01905; 1000 Genomes Project 0.02037.
gnomAD v4.1: 3,083 of 1,541,882 alleles (0.2%); highest among the groups gnomAD compares: East Asian, 5.5%; 105 homozygotes.

Submission:

PreventionGenetics, part of Exact Sciences
Classification: Benign for KIAA0825-related condition. Last evaluated: 2024-07-10. Review status: no assertion criteria provided. Collection method: clinical testing. Allele origin: germline.
Comment: This variant is classified as benign based on ACMG/AMP sequence variant interpretation guidelines (Richards et al. 2015 PMID: 25741868, with internal and published modifications).

NM_001145678.3(KIAA0825):c.2508C>T (p.Ser836=)

Gene: KIAA0825 (KIAA0825; minus strand). Cytogenetic location: 5q15.
Variant type: single nucleotide variant.
Coding change: c.2508C>T on transcript NM_001145678.3 (MANE Select); coding-DNA position 2508, C replaced by T.
Protein change: p.Ser836=; no amino-acid change (serine 836 retained).
Molecular consequence: synonymous variant. On other transcripts: non-coding transcript variant (1).
Genome position (GRCh38, 1-based): chr5:94,417,355, G>A on the plus strand (C>T on the coding strand, the complement: KIAA0825 is on the minus strand). VCF-style: chr5-94417355-G-A. GRCh37 (hg19) VCF-style: chr5-93753060-G-A.
Other names: c.2523C>T, p.Ser841= (NM_001385712.1, NM_001385713.1, NM_001388325.1).
Identifiers: ClinVar variation 3038502 (VCV003038502.2), dbSNP rs29909, ClinGen allele CA3344053.